The following is an entry in ClinVar:

NM_198578.4(LRRK2):c.3488A>G (p.Asn1163Ser)

Gene: LRRK2 (leucine rich repeat kinase 2; plus strand). Cytogenetic location: 12q12.
Variant type: single nucleotide variant.
Coding change: c.3488A>G on transcript NM_198578.4 (MANE Select); coding-DNA position 3488, A replaced by G.
Protein change: p.Asn1163Ser; replaces asparagine 1163 with serine.
Molecular consequence: missense variant.
Genome position (GRCh38, 1-based): chr12:40,299,249, A>G. VCF-style: chr12-40299249-A-G. GRCh37 (hg19) VCF-style: chr12-40693051-A-G.
Other names: short protein forms N1163S.
Identifiers: ClinVar variation 3229616 (VCV003229616.1), dbSNP rs1313029666, ClinGen allele CA384416005.

ClinVar aggregate classification (germline): Uncertain significance (1 of 4 stars; one submission).

Conditions:
Inborn genetic diseases. Identifiers: MedGen C0950123, MeSH D030342.

Allele frequency attached by ClinVar (database versions not stated): gnomAD exomes below 0.00001; gnomAD 0.00001.
gnomAD v4.1: 2 of 1,612,982 alleles (0.00012%); highest among the groups gnomAD compares: African/African-American, 0.0013%; no homozygotes.

Submission:

Ambry Genetics
Classification: Uncertain significance for Inborn genetic diseases. Last evaluated: 2023-10-26. Review status: criteria provided, single submitter. Criteria: Ambry Variant Classification Scheme 2023. Collection method: clinical testing. Allele origin: germline.
Comment: The p.N1163S variant (also known as c.3488A>G), located in coding exon 25 of the LRRK2 gene, results from an A to G substitution at nucleotide position 3488. The asparagine at codon 1163 is replaced by serine, an amino acid with highly similar properties. This amino acid position is conserved. In addition, this alteration is predicted to be tolerated by in silico analysis. Since supporting evidence is limited at this time, the clinical significance of this alteration remains unclear.